The following is an entry in ClinVar:

NM_001042492.3(NF1):c.7970+5G>A

Gene: NF1 (neurofibromin 1; plus strand). Cytogenetic location: 17q11.2.
Variant type: single nucleotide variant.
Coding change: c.7970+5G>A on transcript NM_001042492.3 (MANE Select); 5 bases into the intron after coding-DNA position 7970, G replaced by A.
Molecular consequence: intron variant.
Genome position (GRCh38, 1-based): chr17:31,357,374, G>A. VCF-style: chr17-31357374-G-A. GRCh37 (hg19) VCF-style: chr17-29684392-G-A.
Other names: c.7907+5G>A (NM_000267.4).
Identifiers: ClinVar variation 996409 (VCV000996409.15), dbSNP rs1567627286, ClinGen allele CA658761050.

ClinVar aggregate classification (germline): Likely pathogenic. Review status: criteria provided, multiple submitters, no conflicts (2 of 4 stars). 4 submissions from 4 submitters: Likely pathogenic (4). Last evaluated 2026-03-17.

Conditions:
Cardiovascular phenotype. Identifiers: MedGen CN230736.
Hereditary cancer-predisposing syndrome. Also called: Hereditary Cancer Syndrome; Neoplastic Syndromes, Hereditary; Tumor predisposition; Hereditary neoplastic syndrome. Identifiers: Orphanet 140162, MedGen C0027672, MeSH D009386, MONDO:0015356.
Neurofibromatosis, type 1 (NF1). Also called: Peripheral type neurofibromatosis; VON RECKLINGHAUSEN DISEASE; Neurofibromatosis, type I; NEUROFIBROMATOSIS, TYPE I, SOMATIC. Identifiers: Orphanet 636, MedGen C0027831, MONDO:0018975, OMIM 162200. Disease mechanism: loss of function.

Allele frequency attached by ClinVar (database versions not stated): TOPMed below 0.00001.

Submissions (5):

Ambry Genetics
Classification: Likely pathogenic for Cardiovascular phenotype; Hereditary cancer-predisposing syndrome. Last evaluated: 2026-03-17. Review status: criteria provided, single submitter. Criteria: Ambry Variant Classification Scheme 2023. Collection method: clinical testing. Allele origin: germline.
Comment: The c.7907+5G>A intronic variant results from a G to A substitution 5 nucleotides after coding exon 53 in the NF1 gene. This variant was reported in individual(s) with features consistent with Neurofibromatosis type 1; in at least one individual, it was determined to be de novo (Pasmant E et al. Eur J Hum Genet, 2015 May;23:596-601; De Luca A et al. Hum Mutat, 2004 Jun;23:629; External communication; Ambry internal data). Other variant(s) impacting the same donor site (c.7907+6T>C) have been identified in individual(s) with features consistent with Neurofibromatosis type 1 (Ambry internal data). This nucleotide position is highly conserved in available vertebrate species. In silico splice site analysis predicts that this alteration will weaken the native splice donor site. This variant is considered to be rare based on population cohorts in the Genome Aggregation Database (gnomAD). Based on the majority of available evidence to date, this variant is likely to be pathogenic.

Genome Diagnostics Laboratory, The Hospital for Sick Children
Classification: Likely pathogenic for Neurofibromatosis, type 1. Last evaluated: 2024-07-16. Review status: criteria provided, single submitter. Criteria: ACMG Guidelines, 2015. Collection method: clinical testing. Allele origin: germline. Affected: yes.
Comment: This missense variant is located within 5 nucleotides of an intron/exon splicing junction. In silico prediction programs predict that this variant may affect splicing. However, this prediction has not been confirmed by RNA functional studies. It has been reported previously in individuals with Neurofibromatosis type 1 (PMIDs: 15146469, 25074460). This variant was reported to have occurred de novo in at least one individual. This variant has not been observed in population controls of the Genome Aggregation Database (gnomAD). Based on the evidence above, this variant is classified as likely pathogenic (ACMG criteria - PS4_Moderate, PM2, PM6, PP3, PP5).

Labcorp Genetics (formerly Invitae), Labcorp
Classification: Likely pathogenic for Neurofibromatosis, type 1. Last evaluated: 2024-01-01. Review status: criteria provided, single submitter. Criteria: Invitae Variant Classification Sherloc (09022015). Collection method: clinical testing. Allele origin: germline.
Comment: This sequence change falls in intron 53 of the NF1 gene. It does not directly change the encoded amino acid sequence of the NF1 protein. It affects a nucleotide within the consensus splice site. This variant is not present in population databases (gnomAD no frequency). This variant has been observed in individual(s) with clinical features of NF1-related conditions (PMID: 15146469, 25074460; Invitae). ClinVar contains an entry for this variant (Variation ID: 996409). Variants that disrupt the consensus splice site are a relatively common cause of aberrant splicing (PMID: 17576681, 9536098). Algorithms developed to predict the effect of sequence changes on RNA splicing suggest that this variant may disrupt the consensus splice site. In summary, the currently available evidence indicates that the variant is pathogenic, but additional data are needed to prove that conclusively. Therefore, this variant has been classified as Likely Pathogenic.

GeneDx
Classification: Likely pathogenic. Last evaluated: 2020-09-11. Review status: criteria provided, single submitter. Criteria: GeneDx Variant Classification Process June 2021. Collection method: clinical testing. Allele origin: germline. Affected: yes.
Comment: Intronic +5 splice site variant in a gene for which loss-of-function is a known mechanism of disease, and splice predictors support a deleterious effect; Not observed in large population cohorts (Lek et al., 2016); This variant is associated with the following publications: (PMID: 15146469)

Dr. Peter K. Rogan Lab, Western University
No classification provided (evidence only). Condition: Malignant tumor of urinary bladder. Review status: no classification provided. Collection method: in vitro. Allele origin: not applicable. Functional consequence: skipped exon. Not counted in ClinVar's aggregate classification.

Literature cited by the submitters: PubMed 15146469 (cited by Ambry Genetics and Labcorp Genetics (formerly Invitae), Labcorp); PubMed 25074460 (cited by Ambry Genetics and Labcorp Genetics (formerly Invitae), Labcorp); PubMed 17576681 (cited by Labcorp Genetics (formerly Invitae), Labcorp); PubMed 9536098 (cited by Labcorp Genetics (formerly Invitae), Labcorp).